The following is an entry in ClinVar:

NM_001098.3(ACO2):c.1652G>A (p.Ser551Asn)

Genes: ACO2 (aconitase 2; plus strand), LOC130067544 (ATAC-STARR-seq lymphoblastoid active region 19118; plus strand). Cytogenetic location: 22q13.2.
Variant type: single nucleotide variant.
Coding change: c.1652G>A on transcript NM_001098.3 (MANE Select); coding-DNA position 1652, G replaced by A.
Protein change: p.Ser551Asn; replaces serine 551 with asparagine.
Molecular consequence: missense variant.
Genome position (GRCh38, 1-based): chr22:41,525,239, G>A. VCF-style: chr22-41525239-G-A. GRCh37 (hg19) VCF-style: chr22-41921243-G-A.
Other names: short protein forms S551N.
Identifiers: ClinVar variation 2980862 (VCV002980862.3), dbSNP rs540222477, ClinGen allele CA10257739.
Genomic context (GRCh38, chr22:41,525,239, plus strand): 5'-ATTCCCTGCTGCAGGAGTTTGACCCAGGGCAGGACACCTACCAGCACCCACCCAAGGACA[G>A]CAGCGGGCAGCATGTGGACGTGAGCCCCACCAGCCAGCGCCTGCAGCTCCTGGAGCCTTT-3'
Protein context (NP_001089.1, residues 541-561): QDTYQHPPKD[Ser551Asn]SGQHVDVSPT

ClinVar aggregate classification (germline): Uncertain significance (1 of 4 stars; one submission).

Allele frequency attached by ClinVar (database versions not stated): ExAC 0.00001; gnomAD 0.00001; gnomAD exomes 0.00001; TOPMed 0.00001; 1000 Genomes Project 30x 0.00016; 1000 Genomes Project 0.00020.
gnomAD v4.1: 10 of 1,614,066 alleles (0.00062%); highest among the groups gnomAD compares: East Asian, 0.018%; no homozygotes.

Submission:

Labcorp Genetics (formerly Invitae), Labcorp
Classification: Uncertain significance. Last evaluated: 2024-02-17. Review status: criteria provided, single submitter. Criteria: Invitae Variant Classification Sherloc (09022015). Collection method: clinical testing. Allele origin: germline.
Comment: This sequence change replaces serine, which is neutral and polar, with asparagine, which is neutral and polar, at codon 551 of the ACO2 protein (p.Ser551Asn). This variant is present in population databases (rs540222477, gnomAD 0.03%). This variant has not been reported in the literature in individuals affected with ACO2-related conditions. Advanced modeling of protein sequence and biophysical properties (such as structural, functional, and spatial information, amino acid conservation, physicochemical variation, residue mobility, and thermodynamic stability) performed at Invitae indicates that this missense variant is not expected to disrupt ACO2 protein function with a negative predictive value of 80%. In summary, the available evidence is currently insufficient to determine the role of this variant in disease. Therefore, it has been classified as a Variant of Uncertain Significance.